The following is an entry in ClinVar:

ClinVar aggregate classification (germline): Benign (1 of 4 stars; one submission).

Conditions:
Lynch syndrome 5 (LYNCH5). Also called: Colorectal cancer, hereditary nonpolyposis, type 5; Hereditary non-polyposis colorectal cancer, type 5. Identifiers: Orphanet 144, MedGen C1833477, MONDO:0013710, OMIM 614350. Disease mechanism: loss of function.

Submission:

Myriad Genetics, Inc.
Classification: Benign for Lynch syndrome 5. Last evaluated: 2024-12-18. Review status: criteria provided, single submitter. Criteria: Myriad Autosomal Dominant, Autosomal Recessive and X-Linked Classification Criteria (2023). Collection method: clinical testing. Allele origin: unknown.
Comment: This variant is considered benign. This variant is a silent/synonymous amino acid change and it is not expected to impact splicing.

NM_000179.3(MSH6):c.387T>G (p.Val129=)

Gene: MSH6 (mutS homolog 6; plus strand). Cytogenetic location: 2p16.3.
Variant type: single nucleotide variant.
Coding change: c.387T>G on transcript NM_000179.3 (MANE Select); coding-DNA position 387, T replaced by G.
Protein change: p.Val129=; no amino-acid change (valine 129 retained).
Molecular consequence: synonymous variant. On other transcripts: 5 prime UTR variant (7), non-coding transcript variant (5), intron variant (6).
Genome position (GRCh38, 1-based): chr2:47,791,053, T>G. VCF-style: chr2-47791053-T-G. GRCh37 (hg19) VCF-style: chr2-48018192-T-G.
Other names: c.-350T>G (NM_001281493.2, NM_001406811.1, NM_001406823.1 and 1 more transcripts); c.-516T>G (NM_001281494.2); c.483T>G, p.Val161= (NM_001406795.1, NM_001406802.1); c.387T>G, p.Val129= (NM_001406796.1, NM_001406798.1, NM_001406800.1 and 6 more transcripts); c.90T>G, p.Val30= (NM_001406797.1, NM_001406801.1, NM_001406805.1 and 10 more transcripts); c.309T>G, p.Val103= (NM_001406804.1); c.-542T>G (NM_001406807.1); c.-608T>G (NM_001406814.1); and 5 more.
Identifiers: ClinVar variation 3904272 (VCV003904272.1).